The following is an entry in ClinVar:

ClinVar aggregate classification (germline): Benign/Likely benign. Review status: criteria provided, multiple submitters, no conflicts (2 of 4 stars). 4 submissions from 4 submitters: Benign (1); Likely benign (3). Last evaluated 2026-01-31.

Conditions:
Familial thoracic aortic aneurysm and aortic dissection (TAAD). Also called: Thoracic aortic aneurysms and dissections. Identifiers: Orphanet 91387, MedGen C4707243, MONDO:0019625.
Heterotopia, periventricular, X-linked dominant (PVNH1). Also called: PERIVENTRICULAR NODULAR HETEROTOPIA 1; X-linked periventricular heterotopia; PERIVENTRICULAR NODULAR HETEROTOPIA 4; HETEROTOPIA, PERIVENTRICULAR, 1. Identifiers: Orphanet 2149, Orphanet 82004, MedGen C1848213, MONDO:0010233, OMIM 300049.
Melnick-Needles syndrome (MNS). Also called: OSTEODYSPLASTY OF MELNICK AND NEEDLES; Melnick-Needles Syndrome (FLNA-MNS); MELNICK-NEEDLES OSTEODYSPLASTY. Identifiers: Orphanet 2484, MedGen C0025237, MONDO:0010650, OMIM 309350.
Oto-palato-digital syndrome, type II (OPD2). Also called: OPD II SYNDROME; Otopalatodigital Syndrome, Type II; FACIOPALATOOSSEOUS SYNDROME; Otopalatodigital Syndrome Type 2 (FLNA-OPD2). Identifiers: Orphanet 669, Orphanet 90652, MedGen C1844696, MONDO:0010571, OMIM 304120.
Frontometaphyseal dysplasia (FMD1). Identifiers: Orphanet 1826, MedGen C0265293, MONDO:0015942.

Allele frequency attached by ClinVar (database versions not stated): gnomAD exomes below 0.00001 and 0.00002; gnomAD 0.00001.
gnomAD v4.1: 5 of 1,210,708 alleles (0.00041%); highest among the groups gnomAD compares: African/African-American, 0.0035%; no homozygotes.

Submissions (4):

Labcorp Genetics (formerly Invitae), Labcorp
Classification: Benign for Oto-palato-digital syndrome, type II; Heterotopia, periventricular, X-linked dominant; Frontometaphyseal dysplasia; Melnick-Needles syndrome. Last evaluated: 2026-01-31. Review status: criteria provided, single submitter. Criteria: Invitae Variant Classification Sherloc (09022015). Collection method: clinical testing. Allele origin: germline.

Ambry Genetics
Classification: Likely benign for Familial thoracic aortic aneurysm and aortic dissection. Last evaluated: 2024-03-13. Review status: criteria provided, single submitter. Criteria: Ambry Variant Classification Scheme 2023. Collection method: clinical testing. Allele origin: germline.

Blueprint Genetics
Classification: Likely benign. Last evaluated: 2022-05-18. Review status: criteria provided, single submitter. Criteria: ACMG Guidelines, 2015. Collection method: clinical testing. Allele origin: germline.

GeneDx
Classification: Likely benign. Last evaluated: 2018-02-23. Review status: criteria provided, single submitter. Criteria: GeneDx Variant Classification (06012015). Collection method: clinical testing. Allele origin: germline. Affected: yes.
Comment: This variant is considered likely benign or benign based on one or more of the following criteria: it is a conservative change, it occurs at a poorly conserved position in the protein, it is predicted to be benign by multiple in silico algorithms, and/or has population frequency not consistent with disease.

NM_001110556.2(FLNA):c.4803C>T (p.Asp1601=)

Gene: FLNA (filamin A; minus strand). Cytogenetic location: Xq28.
Variant type: single nucleotide variant.
Coding change: c.4803C>T on transcript NM_001110556.2 (MANE Select); coding-DNA position 4803, C replaced by T.
Protein change: p.Asp1601=; no amino-acid change (aspartic acid 1601 retained).
Molecular consequence: synonymous variant.
Genome position (GRCh38, 1-based): chrX:154,357,576, G>A on the plus strand (C>T on the coding strand, the complement: FLNA is on the minus strand). VCF-style: chrX-154357576-G-A. GRCh37 (hg19) VCF-style: chrX-153585944-G-A.
Other names: c.4803C>T, p.Asp1601= (NM_001456.4).
Identifiers: ClinVar variation 515700 (VCV000515700.6), dbSNP rs1557177102, ClinGen allele CA519276699.